The following is an entry in ClinVar:

ClinVar aggregate classification (germline): Uncertain significance (1 of 4 stars; one submission).

Conditions:
KCNAB3-related disorder.

Submission:

3billion
Classification: Uncertain significance for KCNAB3-related disorder. Last evaluated: 2025-10-30. Review status: criteria provided, single submitter. Criteria: ACMG Guidelines, 2015. Collection method: clinical testing. Allele origin: germline. Affected: yes.
Comment: The variant is not observed in the gnomAD v4.1.0 dataset. Predicted Consequence/Location: Missense variant Damaging effect on gene or gene product predicted by in silico programs is uncertain [REVEL: 0.53 (damaging >=0.6, benign <0.4), 3Cnet: 0.01 (damaging >0.75, benign <0.1)]. Therefore, this variant is classified as VUS according to the recommendation of ACMG/AMP guideline.

NM_004732.4(KCNAB3):c.884A>T (p.Lys295Met)

Gene: KCNAB3 (potassium voltage-gated channel subfamily A regulatory beta subunit 3; minus strand). Cytogenetic location: 17p13.1.
Variant type: single nucleotide variant.
Coding change: c.884A>T on transcript NM_004732.4 (MANE Select); coding-DNA position 884, A replaced by T.
Protein change: p.Lys295Met; replaces lysine 295 with methionine.
Molecular consequence: missense variant.
Genome position (GRCh38, 1-based): chr17:7,924,011, T>A on the plus strand (A>T on the coding strand, the complement: KCNAB3 is on the minus strand). VCF-style: chr17-7924011-T-A. GRCh37 (hg19) VCF-style: chr17-7827329-T-A.
Other names: short protein forms K295M.
Identifiers: ClinVar variation 4855766 (VCV004855766.1).